The following is an entry in ClinVar:

ClinVar aggregate classification (germline): Uncertain significance (1 of 4 stars; one submission).

Allele frequency attached by ClinVar (database versions not stated): TOPMed below 0.00001.
gnomAD v4.1: 2 of 1,614,050 alleles (0.00012%); highest among the groups gnomAD compares: Admixed American, 0.0017%; no homozygotes.

Submission:

Labcorp Genetics (formerly Invitae), Labcorp
Classification: Uncertain significance. Last evaluated: 2023-08-18. Review status: criteria provided, single submitter. Criteria: Invitae Variant Classification Sherloc (09022015). Collection method: clinical testing. Allele origin: germline.
Comment: In summary, the available evidence is currently insufficient to determine the role of this variant in disease. Therefore, it has been classified as a Variant of Uncertain Significance. Advanced modeling of protein sequence and biophysical properties (such as structural, functional, and spatial information, amino acid conservation, physicochemical variation, residue mobility, and thermodynamic stability) performed at Invitae indicates that this missense variant is not expected to disrupt FAT4 protein function. ClinVar contains an entry for this variant (Variation ID: 2047714). This variant has not been reported in the literature in individuals affected with FAT4-related conditions. This variant is not present in population databases (gnomAD no frequency). This sequence change replaces tyrosine, which is neutral and polar, with cysteine, which is neutral and slightly polar, at codon 1247 of the FAT4 protein (p.Tyr1247Cys).

NM_001291303.3(FAT4):c.3740A>G (p.Tyr1247Cys)

Gene: FAT4 (FAT atypical cadherin 4; plus strand). Cytogenetic location: 4q28.1.
Variant type: single nucleotide variant.
Coding change: c.3740A>G on transcript NM_001291303.3 (MANE Select); coding-DNA position 3740, A replaced by G.
Protein change: p.Tyr1247Cys; replaces tyrosine 1247 with cysteine.
Molecular consequence: missense variant.
Genome position (GRCh38, 1-based): chr4:125,320,151, A>G. VCF-style: chr4-125320151-A-G. GRCh37 (hg19) VCF-style: chr4-126241306-A-G.
Other names: c.3740A>G, p.Tyr1247Cys (NM_001291285.3, NM_024582.6); short protein forms Y1247C.
Identifiers: ClinVar variation 2047714 (VCV002047714.4), dbSNP rs1730871535, ClinGen allele CA358124636.